The following is an entry in ClinVar:

NM_015338.6(ASXL1):c.417A>T (p.Glu139Asp)

Gene: ASXL1 (ASXL transcriptional regulator 1; plus strand). Cytogenetic location: 20q11.21.
Variant type: single nucleotide variant.
Coding change: c.417A>T on transcript NM_015338.6 (MANE Select); coding-DNA position 417, A replaced by T.
Protein change: p.Glu139Asp; replaces glutamic acid 139 with aspartic acid.
Molecular consequence: missense variant.
Genome position (GRCh38, 1-based): chr20:32,428,368, A>T. VCF-style: chr20-32428368-A-T. GRCh37 (hg19) VCF-style: chr20-31016171-A-T.
Other names: c.387A>T, p.Glu129Asp (NM_001363734.1); short protein forms E139D, E129D.
Identifiers: ClinVar variation 3792037 (VCV003792037.1).

ClinVar aggregate classification (germline): Uncertain significance (1 of 4 stars; one submission).

Conditions:
Inborn genetic diseases. Identifiers: MedGen C0950123, MeSH D030342.

Submission:

Ambry Genetics
Classification: Uncertain significance for Inborn genetic diseases. Last evaluated: 2025-01-06. Review status: criteria provided, single submitter. Criteria: Ambry Variant Classification Scheme 2023. Collection method: clinical testing. Allele origin: germline.
Comment: The p.E139D variant (also known as c.417A>T), located in coding exon 6 of the ASXL1 gene, results from an A to T substitution at nucleotide position 417. The glutamic acid at codon 139 is replaced by aspartic acid, an amino acid with highly similar properties. This amino acid position is conserved. In addition, this alteration is predicted to be tolerated by in silico analysis. Based on the available evidence, the clinical significance of this variant remains unclear.